The following is an entry in ClinVar:

NM_006005.3(WFS1):c.2512C>G (p.Pro838Ala)

Gene: WFS1 (wolframin ER transmembrane glycoprotein; plus strand). Cytogenetic location: 4p16.1.
Variant type: single nucleotide variant.
Coding change: c.2512C>G on transcript NM_006005.3 (MANE Select); coding-DNA position 2512, C replaced by G.
Protein change: p.Pro838Ala; replaces proline 838 with alanine.
Molecular consequence: missense variant.
Genome position (GRCh38, 1-based): chr4:6,302,307, C>G. VCF-style: chr4-6302307-C-G. GRCh37 (hg19) VCF-style: chr4-6304034-C-G.
Other names: c.2512C>G, p.Pro838Ala (NM_001145853.1); short protein forms P838A.
Identifiers: ClinVar variation 1375473 (VCV001375473.8), dbSNP rs2109127724, ClinGen allele CA356178789.

ClinVar aggregate classification (germline): Uncertain significance (1 of 4 stars; one submission).

Submission:

Labcorp Genetics (formerly Invitae), Labcorp
Classification: Uncertain significance. Last evaluated: 2021-02-24. Review status: criteria provided, single submitter. Criteria: Invitae Variant Classification Sherloc (09022015). Collection method: clinical testing. Allele origin: germline.
Comment: This variant has not been reported in the literature in individuals with WFS1-related conditions. Algorithms developed to predict the effect of missense changes on protein structure and function are either unavailable or do not agree on the potential impact of this missense change (SIFT: "Tolerated"; PolyPhen-2: "Probably Damaging"; Align-GVGD: "Class C0"). This sequence change replaces proline with alanine at codon 838 of the WFS1 protein (p.Pro838Ala). The proline residue is highly conserved and there is a small physicochemical difference between proline and alanine. This variant is not present in population databases (ExAC no frequency). In summary, the available evidence is currently insufficient to determine the role of this variant in disease. Therefore, it has been classified as a Variant of Uncertain Significance.